The following is an entry in ClinVar:

ClinVar aggregate classification (germline): Uncertain significance (1 of 4 stars; one submission).

gnomAD v4.1: 2 of 1,614,112 alleles (0.00012%); highest among the groups gnomAD compares: Non-Finnish European, 0.00017%; no homozygotes.

Submission:

Labcorp Genetics (formerly Invitae), Labcorp
Classification: Uncertain significance. Last evaluated: 2025-11-17. Review status: criteria provided, single submitter. Criteria: Invitae Variant Classification Sherloc (09022015). Collection method: clinical testing. Allele origin: germline.
Comment: This sequence change replaces arginine, which is basic and polar, with proline, which is neutral and non-polar, at codon 1031 of the MICAL1 protein (p.Arg1031Pro). This variant is present in population databases (no rsID available, gnomAD 0.0009%). This variant has not been reported in the literature in individuals affected with MICAL1-related conditions. ClinVar contains an entry for this variant (Variation ID: 2830550). An algorithm developed to predict the effect of missense changes on protein structure and function (PolyPhen-2) suggests that this variant is likely to be disruptive. In summary, the available evidence is currently insufficient to determine the role of this variant in disease. Therefore, it has been classified as a Variant of Uncertain Significance.

NM_022765.4(MICAL1):c.3035G>C (p.Arg1012Pro)

Gene: MICAL1 (microtubule associated monooxygenase, calponin and LIM domain containing 1; minus strand). Cytogenetic location: 6q21.
Variant type: single nucleotide variant.
Coding change: c.3035G>C on transcript NM_022765.4 (MANE Select); coding-DNA position 3035, G replaced by C.
Protein change: p.Arg1012Pro; replaces arginine 1012 with proline.
Molecular consequence: missense variant.
Genome position (GRCh38, 1-based): chr6:109,444,745, C>G on the plus strand (G>C on the coding strand, the complement: MICAL1 is on the minus strand). VCF-style: chr6-109444745-C-G. GRCh37 (hg19) VCF-style: chr6-109765948-C-G.
Other names: c.2777G>C, p.Arg926Pro (NM_001159291.2); c.3092G>C, p.Arg1031Pro (NM_001286613.2); short protein forms R1031P, R1012P, R926P.
Identifiers: ClinVar variation 2830550 (VCV002830550.3), dbSNP rs765492673, ClinGen allele CA365220989.